The following is an entry in ClinVar:

ClinVar aggregate classification (germline): Pathogenic (1 of 4 stars; one submission).

Conditions:
Mucolipidosis type IV (ML4). Also called: ML IV. Identifiers: Orphanet 578, MedGen C0238286, MONDO:0009653, OMIM 252650.

Submission:

Myriad Genetics, Inc.
Classification: Pathogenic for Mucolipidosis type IV. Last evaluated: 2023-09-21. Review status: criteria provided, single submitter. Criteria: Myriad Autosomal Dominant, Autosomal Recessive and X-Linked Classification Criteria (2023). Collection method: clinical testing. Allele origin: unknown.
Comment: NM_020533.2(MCOLN1):c.961_962insAG(L321Qfs*52) is expected to be pathogenic in the context of mucolipidosis IV. This variant is predicted to lead to an abnormal or absent protein product due to the creation of a premature termination codon in MCOLN1, a gene where loss-of-function variants are known to be pathogenic. Please note: this variant was assessed in the context of healthy population screening.

NM_020533.3(MCOLN1):c.961_962insAG (p.Leu321fs)

Gene: MCOLN1 (mucolipin TRP cation channel 1; plus strand). Cytogenetic location: 19p13.2.
Variant type: Insertion.
Coding change: c.961_962insAG on transcript NM_020533.3 (MANE Select); coding-DNA positions 961 to 962, AG inserted.
Protein change: p.Leu321fs; shifts the reading frame from leucine 321.
Molecular consequence: frameshift variant.
Genome position: GRCh38 VCF-style: chr19-7528680-C-CAG. GRCh37 (hg19) VCF-style: chr19-7593566-C-CAG.
Other names: short protein forms L321fs.
Identifiers: ClinVar variation 5011709 (VCV005011709.1).
Genomic context (GRCh38, chr19:7,528,680, plus strand): 5'-TTTGACGTGGTGGTCATCCTCACCTGCTCCCTGTCCTTCCTCCTCTGCGCCCGCTCACTC[C>CAG]TTCGAGGCTTCCTGCTGCAGAACGTGAGGCTTCTGCGTCATGTGTGCTGGTGTCCTCCCC-3'